The following is an entry in ClinVar:

NM_002336.3(LRP6):c.449+6T>C

Gene: LRP6 (LDL receptor related protein 6; minus strand). Cytogenetic location: 12p13.2.
Variant type: single nucleotide variant.
Coding change: c.449+6T>C on transcript NM_002336.3 (MANE Select); 6 bases into the intron after coding-DNA position 449, T replaced by C.
Molecular consequence: intron variant.
Genome position (GRCh38, 1-based): chr12:12,244,256, A>G on the plus strand (T>C on the coding strand, the complement: LRP6 is on the minus strand). VCF-style: chr12-12244256-A-G. GRCh37 (hg19) VCF-style: chr12-12397190-A-G.
Other names: c.449+6T>C (NM_001414245.1, NM_001414247.1, NM_001414255.1 and 6 more transcripts); c.-5+6T>C (NM_001414253.1); c.-5+22425T>C (NM_001414252.1); c.-5+10T>C (NM_001414254.1).
Identifiers: ClinVar variation 4704239 (VCV004704239.1).

ClinVar aggregate classification (germline): Uncertain significance (1 of 4 stars; one submission).

Submission:

Labcorp Genetics (formerly Invitae), Labcorp
Classification: Uncertain significance. Last evaluated: 2025-04-30. Review status: criteria provided, single submitter. Criteria: Invitae Variant Classification Sherloc (09022015). Collection method: clinical testing. Allele origin: germline.
Comment: This sequence change falls in intron 2 of the LRP6 gene. It does not directly change the encoded amino acid sequence of the LRP6 protein. It affects a nucleotide within the consensus splice site. This variant is not present in population databases (gnomAD no frequency). This variant has not been reported in the literature in individuals affected with LRP6-related conditions. Variants that disrupt the consensus splice site are a relatively common cause of aberrant splicing (PMID: 17576681, 9536098). Algorithms developed to predict the effect of sequence changes on RNA splicing suggest that this variant is not likely to affect RNA splicing. In summary, the available evidence is currently insufficient to determine the role of this variant in disease. Therefore, it has been classified as a Variant of Uncertain Significance.

Literature cited by the submitters: PubMed 17576681; PubMed 9536098.